The following is an entry in ClinVar:

NM_005763.4(AASS):c.1928del (p.Asn643fs)

Gene: AASS (aminoadipate-semialdehyde synthase; minus strand). Cytogenetic location: 7q31.32.
Variant type: Deletion.
Coding change: c.1928del on transcript NM_005763.4 (MANE Select); coding-DNA position 1928, one base deleted (A; older notation c.1928delA).
Protein change: p.Asn643fs; shifts the reading frame from asparagine 643.
Molecular consequence: frameshift variant.
Genome position (GRCh38, 1-based): chr7:122,091,791, T deleted on the plus strand (A on the coding strand, the reverse complement: AASS is on the minus strand); the first of 3 consecutive T bases (chr7:122,091,791-122,091,793); deleting any one gives the same sequence. VCF-style (leftmost placement, unchanged base first): chr7-122091790-GT-G. GRCh37 (hg19) VCF-style: chr7-121731844-GT-G.
Other names: short protein forms N643fs.
Identifiers: ClinVar variation 5007149 (VCV005007149.2).
Genomic context (GRCh38, chr7:122,091,790, plus strand): 5'-CTGCATTACATTCATCAAAACTCCCACTGGACTCCAGCTAAATTTATATCTCAATGGATT[GT>G]TTGAATGTTCAGGGGCTGGAAGCCCACCACAGTAGGAAATATATGATTCAATCTATAAAT-3'

ClinVar aggregate classification (germline): Likely pathogenic (1 of 4 stars; one submission).

Conditions:
HYPERLYSINEMIA, TYPE I. Also called: LYSINE INTOLERANCE. Identifiers: MedGen C0543533, OMIM 238700.

Submission:

Juno Genomics, Hangzhou Juno Genomics, Inc
Classification: Likely pathogenic for HYPERLYSINEMIA, TYPE I. Review status: criteria provided, single submitter. Criteria: ACMG Guidelines, 2015. Collection method: clinical testing. Allele origin: germline.
Comment: Null variant in a gene where loss of function (LOF) is a known mechanism of disease.;Absent from controls (or at extremely low frequency if recessive) in Genome Aggregation Database.